The following is an entry in ClinVar:

NM_001395656.1(ROBO2):c.623T>A (p.Met208Lys)

Gene: ROBO2 (roundabout guidance receptor 2; plus strand). Cytogenetic location: 3p12.3.
Variant type: single nucleotide variant.
Coding change: c.623T>A on transcript NM_001395656.1 (MANE Select); coding-DNA position 623, T replaced by A.
Protein change: p.Met208Lys; replaces methionine 208 with lysine.
Molecular consequence: missense variant. On other transcripts: 5 prime UTR variant (1).
Genome position (GRCh38, 1-based): chr3:77,481,175, T>A. VCF-style: chr3-77481175-T-A. GRCh37 (hg19) VCF-style: chr3-77530326-T-A.
Other names: c.671T>A, p.Met224Lys (NM_001128929.3, NM_001378190.1, NM_001378191.1 and 5 more transcripts); c.623T>A, p.Met208Lys (NM_001290039.2, NM_001290040.2, NM_001378193.1 and 3 more transcripts); c.-1296T>A (NM_001290065.2); c.692T>A, p.Met231Lys (NM_001378192.1, NM_001378194.1, NM_001378198.1 and 5 more transcripts); short protein forms M208K, M224K, M231K.
Identifiers: ClinVar variation 4706593 (VCV004706593.1).

ClinVar aggregate classification (germline): Uncertain significance (1 of 4 stars; one submission).

gnomAD v4.1: 2 of 1,607,464 alleles (0.00012%); highest among the groups gnomAD compares: East Asian, 0.0045%; no homozygotes.

Submission:

Labcorp Genetics (formerly Invitae), Labcorp
Classification: Uncertain significance. Last evaluated: 2025-11-06. Review status: criteria provided, single submitter. Criteria: Invitae Variant Classification Sherloc (09022015). Collection method: clinical testing. Allele origin: germline.
Comment: This sequence change replaces methionine, which is neutral and non-polar, with lysine, which is basic and polar, at codon 208 of the ROBO2 protein (p.Met208Lys). This variant is not present in population databases (gnomAD no frequency). This variant has not been reported in the literature in individuals affected with ROBO2-related conditions. Invitae Evidence Modeling of protein sequence and biophysical properties (such as structural, functional, and spatial information, amino acid conservation, physicochemical variation, residue mobility, and thermodynamic stability) indicates that this missense variant is not expected to disrupt ROBO2 protein function with a negative predictive value of 95%. In summary, the available evidence is currently insufficient to determine the role of this variant in disease. Therefore, it has been classified as a Variant of Uncertain Significance.